The following is an entry in ClinVar:

ClinVar aggregate classification (germline): Uncertain significance (1 of 4 stars; one submission).

Allele frequency attached by ClinVar (database versions not stated): TOPMed below 0.00001; gnomAD 0.00001.
gnomAD v4.1: 1 of 1,609,866 alleles (0.000062%); highest among the groups gnomAD compares: Non-Finnish European, 0.000085%; no homozygotes.

Submission:

Ambry Genetics
Classification: Uncertain significance. Last evaluated: 2021-09-26. Review status: criteria provided, single submitter. Criteria: Ambry Variant Classification Scheme 2023. Collection method: clinical testing. Allele origin: germline.
Comment: The p.S929I variant (also known as c.2786G>T), located in coding exon 16 of the POLQ gene, results from a G to T substitution at nucleotide position 2786. The serine at codon 929 is replaced by isoleucine, an amino acid with dissimilar properties. This amino acid position is conserved. In addition, this alteration is predicted to be tolerated by in silico analysis. Since supporting evidence is limited at this time, the clinical significance of this alteration remains unclear.

NM_199420.4(POLQ):c.2786G>T (p.Ser929Ile)

Gene: POLQ (DNA polymerase theta; minus strand). Cytogenetic location: 3q13.33.
Variant type: single nucleotide variant.
Coding change: c.2786G>T on transcript NM_199420.4 (MANE Select); coding-DNA position 2786, G replaced by T.
Protein change: p.Ser929Ile; replaces serine 929 with isoleucine.
Molecular consequence: missense variant.
Genome position (GRCh38, 1-based): chr3:121,490,145, C>A on the plus strand (G>T on the coding strand, the complement: POLQ is on the minus strand). VCF-style: chr3-121490145-C-A. GRCh37 (hg19) VCF-style: chr3-121208992-C-A.
Other names: short protein forms S929I.
Identifiers: ClinVar variation 1795987 (VCV001795987.2), dbSNP rs1006815430, ClinGen allele CA81836806.